The following is an entry in ClinVar:

NM_000168.6(GLI3):c.473+5G>T

Gene: GLI3 (GLI family zinc finger 3; minus strand). Cytogenetic location: 7p14.1.
Variant type: single nucleotide variant.
Coding change: c.473+5G>T on transcript NM_000168.6 (MANE Select); 5 bases into the intron after coding-DNA position 473, G replaced by T.
Molecular consequence: intron variant.
Genome position (GRCh38, 1-based): chr7:42,076,747, C>A on the plus strand (G>T on the coding strand, the complement: GLI3 is on the minus strand). VCF-style: chr7-42076747-C-A. GRCh37 (hg19) VCF-style: chr7-42116346-C-A.
Identifiers: ClinVar variation 4813424 (VCV004813424.1).

ClinVar aggregate classification (germline): Likely pathogenic (1 of 4 stars; one submission).

Conditions:
Greig cephalopolysyndactyly syndrome (GCPS). Also called: POLYSYNDACTYLY WITH PECULIAR SKULL SHAPE; Greig syndrome; GLI3-Related Greig Cephalopolysyndactyly Syndrome. Identifiers: Orphanet 380, MedGen C0265306, MONDO:0008287, OMIM 175700.

Submission:

MVZ Praenatalmedizin und Genetik Nuernberg
Classification: Likely pathogenic for Greig cephalopolysyndactyly syndrome. Last evaluated: 2022-11-14. Review status: criteria provided, single submitter. Criteria: ACMG Guidelines, 2015. Collection method: clinical testing. Allele origin: de novo. Affected: yes.
Comment: The variant has not been detected in gnomADv2.1.1 and is therefore a very rare variant. It has not yet been reported in the ClinVar database. However, a different variant (NM_000168.6(GLI3):c.473+5G>A) is listed in the ClinVar database at the same position. This variant is listed once as a variant of uncertain significance and once as pathogenic in a more recent entry. The latter entry is related to a scientific article (PMID: 34906502). As a consequence of the variant NM_000168.6:c.473+5G>A, Bournazos et al. report skipping of exon 4, resulting in a frameshift. If there is no NMD (nonsense-mediated mRNA decay) as a result of this frameshift, it could be assumed that a altered and shortened amino acid sequence would arise from amino acid 123 onwards. Bournazos et al. identified the variant in a patient with preaxial polydactyly IV (OMIM-P: 174700). Loss-of-function is a known pathomechanism in GLI3-associated diseases (e.g. PMID: 34482537). The variant NM_000168.6:c.473+5G>T identified in the fetus is assessed as rather pathogenic in the computer-based prediction (high CADD-PHRED score), and a program specific for splice site predictions also predicts the loss of the authentic splice site and exon skipping. Furthermore, the corresponding genomic position is highly conserved (GERP: 5.65). In summary, based on current knowledge, this result supports a probable pathogenicity of the GLI3 variant NM_000168.6:c.473+5G>T.

Literature cited by the submitters: PubMed 34906502; PubMed 34482537.